The following is an entry in ClinVar:

NM_001253697.2(ERBIN):c.2546T>C (p.Ile849Thr)

Gene: ERBIN (erbb2 interacting protein; plus strand). Cytogenetic location: 5q12.3.
Variant type: single nucleotide variant.
Coding change: c.2546T>C on transcript NM_001253697.2 (MANE Select); coding-DNA position 2546, T replaced by C.
Protein change: p.Ile849Thr; replaces isoleucine 849 with threonine.
Molecular consequence: missense variant.
Genome position (GRCh38, 1-based): chr5:66,053,864, T>C. VCF-style: chr5-66053864-T-C. GRCh37 (hg19) VCF-style: chr5-65349692-T-C.
Other names: c.2546T>C, p.Ile849Thr (NM_001006600.3, NM_001253698.2, NM_001253699.2 and 1 more transcripts); c.2534T>C, p.Ile845Thr (NM_001253701.2); short protein forms I849T, I845T.
Identifiers: ClinVar variation 2995571 (VCV002995571.3), dbSNP rs755531636, ClinGen allele CA119867812.
Genomic context (GRCh38, chr5:66,053,864, plus strand): 5'-CTTCCCAGTCTCCTAATAGGACTGAACCACATGACAGTGATTGTTCTGTTGACTTAGGTA[T>C]TTCCAAAAGCACTGAAGATCTCTCCCCTCAGAAAAGTGGTCCAGTTGGATCTGTTGTGAA-3'
Protein context (NP_001240626.1, residues 839-859): HDSDCSVDLG[Ile849Thr]SKSTEDLSPQ

ClinVar aggregate classification (germline): Uncertain significance (1 of 4 stars; one submission).

Allele frequency attached by ClinVar (database versions not stated): TOPMed below 0.00001; gnomAD 0.00001; gnomAD exomes 0.00001.
gnomAD v4.1: 10 of 1,614,014 alleles (0.00062%); highest among the groups gnomAD compares: Non-Finnish European, 0.00076%; no homozygotes.

Submission:

Labcorp Genetics (formerly Invitae), Labcorp
Classification: Uncertain significance. Last evaluated: 2023-06-25. Review status: criteria provided, single submitter. Criteria: Invitae Variant Classification Sherloc (09022015). Collection method: clinical testing. Allele origin: germline.
Comment: This variant is not present in population databases (gnomAD no frequency). In summary, the available evidence is currently insufficient to determine the role of this variant in disease. Therefore, it has been classified as a Variant of Uncertain Significance. An algorithm developed to predict the effect of missense changes on protein structure and function (PolyPhen-2) suggests that this variant is likely to be tolerated. This variant has not been reported in the literature in individuals affected with ERBIN-related conditions. This sequence change replaces isoleucine, which is neutral and non-polar, with threonine, which is neutral and polar, at codon 849 of the ERBIN protein (p.Ile849Thr).